The following is an entry in ClinVar:

ClinVar aggregate classification (germline): Pathogenic (1 of 4 stars; one submission).

Conditions:
Chédiak-Higashi syndrome (CHS). Also called: Chediak-Higashi Syndrome. Identifiers: Orphanet 167, MedGen C0007965, MONDO:0008963, OMIM 214500.

Submission:

Labcorp Genetics (formerly Invitae), Labcorp
Classification: Pathogenic for Chédiak-Higashi syndrome. Last evaluated: 2024-02-24. Review status: criteria provided, single submitter. Criteria: Invitae Variant Classification Sherloc (09022015). Collection method: clinical testing. Allele origin: germline.
Comment: This sequence change creates a premature translational stop signal (p.Val3523Glufs*20) in the LYST gene. It is expected to result in an absent or disrupted protein product. Loss-of-function variants in LYST are known to be pathogenic (PMID: 9215679, 11857544). This variant is not present in population databases (gnomAD no frequency). This variant has not been reported in the literature in individuals affected with LYST-related conditions. For these reasons, this variant has been classified as Pathogenic.

Literature cited by the submitters: PubMed 9215679; PubMed 11857544.

NM_000081.4(LYST):c.10568_10569del (p.Val3523fs)

Gene: LYST (lysosomal trafficking regulator; minus strand). Cytogenetic location: 1q42.3.
Variant type: Microsatellite.
Coding change: c.10568_10569del on transcript NM_000081.4 (MANE Select); coding-DNA positions 10568 to 10569, 2 bases deleted (TG; older notation c.10568_10569delTG).
Protein change: p.Val3523fs; shifts the reading frame from valine 3523.
Molecular consequence: frameshift variant.
Genome position (GRCh38, 1-based): chr1:235,693,482-235,693,483, CA deleted on the plus strand (TG on the coding strand, the reverse complement: LYST is on the minus strand); deleting any 2 consecutive bases within chr1:235,693,482-235,693,486 gives the same sequence; the c. name uses the placement nearest the transcript's 3' end. VCF-style (leftmost placement, unchanged base first): chr1-235693481-TCA-T. GRCh37 (hg19) VCF-style: chr1-235856781-TCA-T.
Other names: c.10568_10569del, p.Val3523fs (NM_001301365.1); short protein forms V3523fs.
Identifiers: ClinVar variation 1447041 (VCV001447041.5), dbSNP rs2527258815, ClinGen allele CA2580611594.